The following is an entry in ClinVar:

NM_000038.6(APC):c.2580A>G (p.Leu860=)

Gene: APC (APC regulator of Wnt signaling pathway; plus strand). Cytogenetic location: 5q22.2.
Variant type: single nucleotide variant.
Coding change: c.2580A>G on transcript NM_000038.6 (MANE Select); coding-DNA position 2580, A replaced by G.
Protein change: p.Leu860=; no amino-acid change (leucine 860 retained).
Molecular consequence: synonymous variant.
Genome position (GRCh38, 1-based): chr5:112,838,174, A>G. VCF-style: chr5-112838174-A-G. GRCh37 (hg19) VCF-style: chr5-112173871-A-G.
Other names: c.2580A>G, p.Leu860= (NM_001127510.3, NM_001354895.2); c.2526A>G, p.Leu842= (NM_001127511.3); c.2634A>G, p.Leu878= (NM_001354896.2); c.2610A>G, p.Leu870= (NM_001354897.2); c.2505A>G, p.Leu835= (NM_001354898.2); c.2496A>G, p.Leu832= (NM_001354899.2); c.2457A>G, p.Leu819= (NM_001354900.2); c.2403A>G, p.Leu801= (NM_001354901.2); and 5 more.
Identifiers: ClinVar variation 1653378 (VCV001653378.10), dbSNP rs2149872897, ClinGen allele CA445962905.
Genomic context (GRCh38, chr5:112,838,174, plus strand): 5'-CTTAGATAGTTCTCGTTCTGAAAAAGATAGAAGTTTGGAGAGAGAACGCGGAATTGGTCT[A>G]GGCAACTACCATCCAGCAACAGAAAATCCAGGAACTTCTTCAAAGCGAGGTTTGCAGATC-3'
Protein context (NP_000029.2, residues 850-870): RSLERERGIG[Leu860=]GNYHPATENP

ClinVar aggregate classification (germline): Benign/Likely benign. Review status: criteria provided, multiple submitters, no conflicts (2 of 4 stars). 3 submissions from 3 submitters: Benign (1); Likely benign (2). Last evaluated 2025-11-15.

Conditions:
Hereditary cancer-predisposing syndrome. Also called: Neoplastic Syndromes, Hereditary; Hereditary Cancer Syndrome; Hereditary neoplastic syndrome; Tumor predisposition. Identifiers: Orphanet 140162, MedGen C0027672, MeSH D009386, MONDO:0015356.
Familial adenomatous polyposis 1 (FAP1). Also called: POLYPOSIS, ADENOMATOUS INTESTINAL; FAMILIAL ADENOMATOUS POLYPOSIS 1, ATTENUATED. Identifiers: MedGen C2713442, MONDO:0021056, OMIM 175100. Disease mechanism: loss of function.

gnomAD v4.1: 1 of 1,614,198 alleles (0.000062%); highest among the groups gnomAD compares: South Asian, 0.0011%; no homozygotes.

Submissions (3):

Labcorp Genetics (formerly Invitae), Labcorp
Classification: Likely benign for Familial adenomatous polyposis 1. Last evaluated: 2025-11-15. Review status: criteria provided, single submitter. Criteria: Invitae Variant Classification Sherloc (09022015). Collection method: clinical testing. Allele origin: germline.

Myriad Genetics, Inc.
Classification: Benign for Familial adenomatous polyposis 1. Last evaluated: 2024-03-14. Review status: criteria provided, single submitter. Criteria: Myriad Autosomal Dominant, Autosomal Recessive and X-Linked Classification Criteria (2023). Collection method: clinical testing. Allele origin: unknown.
Comment: This variant is considered benign. This variant is a silent/synonymous amino acid change and it is not expected to impact splicing.

Ambry Genetics
Classification: Likely benign for Hereditary cancer-predisposing syndrome. Last evaluated: 2022-10-22. Review status: criteria provided, single submitter. Criteria: Ambry Variant Classification Scheme 2023. Collection method: clinical testing. Allele origin: germline.